The following is an entry in ClinVar:

NM_000214.3(JAG1):c.776G>T (p.Gly259Val)

Gene: JAG1 (jagged canonical Notch ligand 1; minus strand). Cytogenetic location: 20p12.2.
Variant type: single nucleotide variant.
Coding change: c.776G>T on transcript NM_000214.3 (MANE Select); coding-DNA position 776, G replaced by T.
Protein change: p.Gly259Val; replaces glycine 259 with valine.
Molecular consequence: missense variant.
Genome position (GRCh38, 1-based): chr20:10,652,578, C>A on the plus strand (G>T on the coding strand, the complement: JAG1 is on the minus strand). VCF-style: chr20-10652578-C-A. GRCh37 (hg19) VCF-style: chr20-10633226-C-A.
Other names: c.776G>T, p.Gly259Val (LRG_1191t1); short protein forms G259V.
Identifiers: ClinVar variation 597146 (VCV000597146.7), dbSNP rs1568798363, ClinGen allele CA408239444.

ClinVar aggregate classification (germline): Uncertain significance (1 of 4 stars; one submission).

Submissions (2):

Eurofins Ntd Llc (ga)
Classification: Uncertain significance. Last evaluated: 2018-05-08. Review status: criteria provided, single submitter. Criteria: EGL ClinVar v180209 classification definitions. Collection method: clinical testing. Allele origin: germline. Observed: 1 variant allele, 1 heterozygote.

Gilbert/Spinner Lab, Children's Hospital of Philadelphia
No classification provided (evidence only). Condition: Alagille syndrome. Review status: no classification provided. Collection method: research. Allele origin: not applicable. Functional consequence: functionally_abnormal. Not counted in ClinVar's aggregate classification.
ClinVar note: "not provided" was previously submitted as the classification for the variant. However, the classification appeared to be based only on an observation of functional data so it was converted to no classification on 2025-07-30.